The following is an entry in ClinVar:

NM_006922.4(SCN3A):c.3368A>G (p.Glu1123Gly)

Gene: SCN3A (sodium voltage-gated channel alpha subunit 3; minus strand). Cytogenetic location: 2q24.3.
Variant type: single nucleotide variant.
Coding change: c.3368A>G on transcript NM_006922.4 (MANE Select); coding-DNA position 3368, A replaced by G.
Protein change: p.Glu1123Gly; replaces glutamic acid 1123 with glycine.
Molecular consequence: missense variant.
Genome position (GRCh38, 1-based): chr2:165,127,656, T>C on the plus strand (A>G on the coding strand, the complement: SCN3A is on the minus strand). VCF-style: chr2-165127656-T-C. GRCh37 (hg19) VCF-style: chr2-165984166-T-C.
Other names: c.3221A>G, p.Glu1074Gly (NM_001081676.2, NM_001081677.2); short protein forms E1074G, E1123G.
Identifiers: ClinVar variation 1716829 (VCV001716829.5), dbSNP rs2468232463, ClinGen allele CA349039848.

ClinVar aggregate classification (germline): Uncertain significance (1 of 4 stars; one submission).

Submission:

Labcorp Genetics (formerly Invitae), Labcorp
Classification: Uncertain significance. Last evaluated: 2022-09-02. Review status: criteria provided, single submitter. Criteria: Invitae Variant Classification Sherloc (09022015). Collection method: clinical testing. Allele origin: germline.
Comment: Algorithms developed to predict the effect of missense changes on protein structure and function are either unavailable or do not agree on the potential impact of this missense change (SIFT: "Deleterious"; PolyPhen-2: "Probably Damaging"; Align-GVGD: "Class C0"). In summary, the available evidence is currently insufficient to determine the role of this variant in disease. Therefore, it has been classified as a Variant of Uncertain Significance. This variant has not been reported in the literature in individuals affected with SCN3A-related conditions. This sequence change replaces glutamic acid, which is acidic and polar, with glycine, which is neutral and non-polar, at codon 1123 of the SCN3A protein (p.Glu1123Gly). This variant is not present in population databases (gnomAD no frequency).